The following is an entry in ClinVar:

NM_001458.5(FLNC):c.5128G>A (p.Glu1710Lys)

Gene: FLNC (filamin C; plus strand). Cytogenetic location: 7q32.1.
Variant type: single nucleotide variant.
Coding change: c.5128G>A on transcript NM_001458.5 (MANE Select); coding-DNA position 5128, G replaced by A.
Protein change: p.Glu1710Lys; replaces glutamic acid 1710 with lysine.
Molecular consequence: missense variant.
Genome position (GRCh38, 1-based): chr7:128,849,507, G>A. VCF-style: chr7-128849507-G-A. GRCh37 (hg19) VCF-style: chr7-128489561-G-A.
Other names: c.5128G>A, p.Glu1710Lys (NM_001127487.2); short protein forms E1710K.
Identifiers: ClinVar variation 567840 (VCV000567840.14), dbSNP rs200077114, ClinGen allele CA4475561.

ClinVar aggregate classification (germline): Uncertain significance. Review status: criteria provided, multiple submitters, no conflicts (2 of 4 stars). 6 submissions from 6 submitters: Uncertain significance (6). Last evaluated 2025-09-02.

Conditions:
Dilated Cardiomyopathy, Dominant.
Hypertrophic cardiomyopathy 26. Also called: Cardiomyopathy, familial hypertrophic, 26. Identifiers: Orphanet 75249, MedGen C4310749, MONDO:0014883, OMIM 617047.
Distal myopathy with posterior leg and anterior hand involvement. Also called: WILLIAMS DISTAL MYOPATHY. Identifiers: Orphanet 63273, MedGen C3279722, MONDO:0013550, OMIM 614065.
Myofibrillar myopathy 5. Also called: Filaminopathy (type); FILAMINOPATHY, AUTOSOMAL DOMINANT. Identifiers: Orphanet 171445, MedGen C1836050, MONDO:0012289, OMIM 609524.
FLNC-related disorder. Also called: FLNC-related condition; FLNC-related disorders.
Arrhythmogenic right ventricular cardiomyopathy (ARVD). Also called: Arrhythmogenic cardiomyopathy; Arrhythmogenic Right Ventricular Cardiomyopathy (ARVC); Arrhythmogenic right ventricular dysplasia; Cardiomyopathy, ARVC. Identifiers: Orphanet 247, MedGen C0349788, MeSH D019571, MONDO:0016587. Disease mechanism: loss of function. Inheritance: Various modes of inheritance.
Cardiovascular phenotype. Identifiers: MedGen CN230736.

Allele frequency attached by ClinVar (database versions not stated): gnomAD exomes 0.00004 and 0.00013; ExAC 0.00005; TOPMed 0.00007; gnomAD 0.00009; 1000 Genomes Project 30x 0.00016; 1000 Genomes Project 0.00020; ESP Exome Variant Server 0.00024.
gnomAD v4.1: 197 of 1,614,204 alleles (0.012%); highest among the groups gnomAD compares: Non-Finnish European, 0.016%; no homozygotes.

Submissions (6):

PreventionGenetics, part of Exact Sciences
Classification: Uncertain significance for FLNC-related condition. Last evaluated: 2025-09-02. Review status: criteria provided, single submitter. Criteria: ACMG Guidelines, 2015. Collection method: clinical testing. Allele origin: germline.
Comment: The FLNC c.5128G>A variant is predicted to result in the amino acid substitution p.Glu1710Lys. To our knowledge, this variant has not been reported in the literature. This variant is reported in 0.0078% of alleles in individuals of European (Non-Finnish) descent in gnomAD. At this time, the clinical significance of this variant is uncertain due to the absence of conclusive functional and genetic evidence.

Labcorp Genetics (formerly Invitae), Labcorp
Classification: Uncertain significance for Distal myopathy with posterior leg and anterior hand involvement; Myofibrillar myopathy 5; Hypertrophic cardiomyopathy 26. Last evaluated: 2025-01-17. Review status: criteria provided, single submitter. Criteria: Invitae Variant Classification Sherloc (09022015). Collection method: clinical testing. Allele origin: germline.
Comment: This sequence change replaces glutamic acid, which is acidic and polar, with lysine, which is basic and polar, at codon 1710 of the FLNC protein (p.Glu1710Lys). This variant is present in population databases (rs200077114, gnomAD 0.007%). This variant has not been reported in the literature in individuals affected with FLNC-related conditions. ClinVar contains an entry for this variant (Variation ID: 567840). An algorithm developed to predict the effect of missense changes on protein structure and function outputs the following: PolyPhen-2: "Benign". The lysine amino acid residue is found in multiple mammalian species, which suggests that this missense change does not adversely affect protein function. In summary, the available evidence is currently insufficient to determine the role of this variant in disease. Therefore, it has been classified as a Variant of Uncertain Significance.

Ambry Genetics
Classification: Uncertain significance for Cardiovascular phenotype. Last evaluated: 2024-04-29. Review status: criteria provided, single submitter. Criteria: Ambry Variant Classification Scheme 2023. Collection method: clinical testing. Allele origin: germline.
Comment: The p.E1710K variant (also known as c.5128G>A), located in coding exon 30 of the FLNC gene, results from a G to A substitution at nucleotide position 5128. The glutamic acid at codon 1710 is replaced by lysine, an amino acid with similar properties. This amino acid position is well conserved in available vertebrate species. In addition, this alteration is predicted to be tolerated by in silico analysis. Since supporting evidence is limited at this time, the clinical significance of this alteration remains unclear.

Victorian Clinical Genetics Services, Murdoch Childrens Research Institute
Classification: Uncertain significance for Arrhythmogenic right ventricular cardiomyopathy. Last evaluated: 2023-07-16. Review status: criteria provided, single submitter. Criteria: ACMG Guidelines, 2015. Collection method: clinical testing. Allele origin: germline. Inheritance: Autosomal dominant inheritance. Affected: yes.
Comment: Based on the classification scheme VCGS_Germline_v1.3.4, this variant is classified as VUS-3C. Following criteria are met: 0103 - Loss of function and gain of function are known mechanisms of disease in this gene. Loss of function is the established mechanism of disease for variants in dilated cardiomyopathy (PMID: 32112656), familial hypertrophic cardiomyopathy 26 (MIM#617047), familial restrictive cardiomyopathy 5 (MIM#617047) and myofibrillar myopathy 5 (MIM#609524), and recently has been associated with arrhythmogenic right ventricular cardiomyopathy (MONDO#0016587; PMID: 31627847). In distal myopathy 4 (MIM#614065), NMD-predicted variants cause a loss of function, however missense variants have been shown to result in a toxic gain of function (PMID: 32112656). (I) 0107 - This gene is associated with autosomal dominant disease. Variants located throughout the gene that are predicted to result in nonsense-mediated decay (NMD) are enriched in dilated cardiomyopathy, whereas missense variants in the ROD2 domain are enriched in familial hypertrophic cardiomyopathy 26 and familial restrictive cardiomyopathy 5 (MIM#617047). Additionally, myofibrillar myopathy 5 (MIM#609524) is known to result from either missense variants in the ROD2 domain or truncating variants in the Ig-like domain 24, while missense variants in the actin-binding domain and NMD-predicted variants located in the Ig-like domain 15 and have been reported for distal myopathy 4 (MIM#614065) (PMID: 32112656). (I) 0115 - Variants in this gene are known to have variable expressivity. These variants are associated with arrhythmogenic right ventricular cardiomyopathy (PMID: 31627847). (I) 0200 - Variant is predicted to result in a missense amino acid change from glutamic acid to lysine. (I) 0251 - This variant is heterozygous. (I) 0302 - Variant is present in gnomAD <0.001 for a dominant condition (v2 & v3: 23 heterozygotes, 0 homozygotes). (SP) 0309 - Two alternative amino acid changes at the same position have been observed in gnomAD (v2 & v3, highest allele count: 1 heterozygote, 0 homozygotes). (I) 0504 - Same amino acid change has been observed in placental mammals. (SB) 0600 - Variant is located in the annotated filamin domain (DECIPHER). (I) 0705 - No comparable missense variants have previous evidence for pathogenicity. (I) 0809 - Previous evidence of pathogenicity for this variant is inconclusive. It has been reported as a VUS by two clinical testing laboratories (ClinVar). (I) 0905 - No published segregation evidence has been identified for this variant. (I) 1007 - No published functional evidence has been identified for this variant. (I) 1208 - Inheritance information for this variant is not currently available in this individual. (I) Legend: (SP) - Supporting pathogenic, (I) - Information, (SB) - Supporting benign

Women's Health and Genetics/Laboratory Corporation of America, LabCorp
Classification: Uncertain significance. Last evaluated: 2023-06-23. Review status: criteria provided, single submitter. Criteria: LabCorp Variant Classification Summary - May 2015. Collection method: clinical testing. Allele origin: germline.
Comment: Variant summary: FLNC c.5128G>A (p.Glu1710Lys) results in a conservative amino acid change in the encoded protein sequence. Three of five in-silico tools predict a benign effect of the variant on protein function. The variant allele was found at a frequency of 4.4e-05 in 249506 control chromosomes (gnomAD). The observed variant frequency is approximately 4-fold of the estimated maximal expected allele frequency for a pathogenic variant in FLNC causing Cardiomyopathy phenotype (1.1e-05), suggesting that the variant may be benign, however this should be interpreted with caution as the number of individuals with the variant is small. To our knowledge, no occurrence of c.5128G>A in individuals affected with Cardiomyopathy and no experimental evidence demonstrating its impact on protein function have been reported. Three submitters have cited clinical-significance assessments for this variant to ClinVar after 2014 and all classified the variant as uncertain significance. Based on the evidence outlined above, the variant was classified as VUS-possibly benign.

Fulgent Genetics
Classification: Uncertain significance for Myofibrillar myopathy 5; Distal myopathy with posterior leg and anterior hand involvement; Hypertrophic cardiomyopathy 26. Last evaluated: 2018-10-31. Review status: criteria provided, single submitter. Criteria: ACMG Guidelines, 2015. Collection method: clinical testing. Allele origin: unknown.

Literature cited by the submitters: PubMed 31627847 (cited by Victorian Clinical Genetics Services, Murdoch Childrens Research Institute); PubMed 32112656 (cited by Victorian Clinical Genetics Services, Murdoch Childrens Research Institute).